The following is an entry in ClinVar:

NM_000264.5(PTCH1):c.4013_4022del (p.Arg1338fs)

Gene: PTCH1 (patched 1; minus strand). Cytogenetic location: 9q22.32.
Variant type: Deletion.
Coding change: c.4013_4022del on transcript NM_000264.5 (MANE Select); coding-DNA positions 4013 to 4022, 10 bases deleted (GCTGGGGCCC; older notation c.4013_4022delGCTGGGGCCC).
Protein change: p.Arg1338fs; shifts the reading frame from arginine 1338.
Molecular consequence: frameshift variant. On other transcripts: non-coding transcript variant (1).
Genome position (GRCh38, 1-based): chr9:95,447,234-95,447,243, GGGCCCCAGC deleted on the plus strand (GCTGGGGCCC on the coding strand, the reverse complement: PTCH1 is on the minus strand); deleting any 10 consecutive bases within chr9:95,447,234-95,447,249 gives the same sequence; the c. name uses the placement nearest the transcript's 3' end. VCF-style (leftmost placement, unchanged base first): chr9-95447233-AGGGCCCCAGC-A. GRCh37 (hg19) VCF-style: chr9-98209515-AGGGCCCCAGC-A.
Other names: c.4013_4022del10 (NM_000264.3); c.3815_3824del, p.Arg1272fs (NM_001083602.3); c.4010_4019del, p.Arg1337fs (NM_001083603.3); c.3560_3569del, p.Arg1187fs (NM_001083604.3, NM_001083605.3, NM_001083606.3 and 1 more transcripts); c.3857_3866del, p.Arg1286fs (NM_001354918.2); short protein forms R1286fs, R1338fs, R1187fs, R1272fs, R1337fs.
Identifiers: ClinVar variation 3427280 (VCV003427280.1).

ClinVar aggregate classification (germline): Uncertain significance (1 of 4 stars; one submission).

Conditions:
Hereditary cancer-predisposing syndrome. Also called: Neoplastic Syndromes, Hereditary; Tumor predisposition; Hereditary Cancer Syndrome; Hereditary neoplastic syndrome. Identifiers: Orphanet 140162, MedGen C0027672, MeSH D009386, MONDO:0015356.

Submission:

Ambry Genetics
Classification: Uncertain significance for Hereditary cancer-predisposing syndrome. Last evaluated: 2024-09-25. Review status: criteria provided, single submitter. Criteria: Ambry Variant Classification Scheme 2023. Collection method: clinical testing. Allele origin: germline.
Comment: The c.4013_4022del10 variant, located in coding exon 23 of the PTCH1 gene, results from a deletion of 10 nucleotides at nucleotide positions 4013 to 4022, causing a translational frameshift with a predicted alternate stop codon (p.R1338Lfs*31). This alteration occurs at the 3' terminus of the PTCH1 gene, is not expected to trigger nonsense-mediated mRNA decay, and only impacts the last 110 amino acids of the protein. The exact functional effect of this alteration is unknown. Based on the available evidence, the clinical significance of this variant remains unclear.